The following is an entry in ClinVar:

NM_000326.5(RLBP1):c.525+2T>C

Gene: RLBP1 (retinaldehyde binding protein 1; minus strand). Cytogenetic location: 15q26.1.
Variant type: single nucleotide variant.
Coding change: c.525+2T>C on transcript NM_000326.5 (MANE Select); the canonical splice donor site of the intron after coding-DNA position 525, T replaced by C.
Molecular consequence: splice donor variant.
Genome position (GRCh38, 1-based): chr15:89,215,058, A>G on the plus strand (T>C on the coding strand, the complement: RLBP1 is on the minus strand). VCF-style: chr15-89215058-A-G. GRCh37 (hg19) VCF-style: chr15-89758289-A-G.
Identifiers: ClinVar variation 1483249 (VCV001483249.6), dbSNP rs2150970352, ClinGen allele CA393729468.

ClinVar aggregate classification (germline): Likely pathogenic (1 of 4 stars; one submission).

Submission:

Labcorp Genetics (formerly Invitae), Labcorp
Classification: Likely pathogenic. Last evaluated: 2021-08-11. Review status: criteria provided, single submitter. Criteria: Invitae Variant Classification Sherloc (09022015). Collection method: clinical testing. Allele origin: germline.
Comment: In summary, the currently available evidence indicates that the variant is pathogenic, but additional data are needed to prove that conclusively. Therefore, this variant has been classified as Likely Pathogenic. Algorithms developed to predict the effect of sequence changes on RNA splicing suggest that this variant may disrupt the consensus splice site. This variant has not been reported in the literature in individuals affected with RLBP1-related conditions. This variant is not present in population databases (ExAC no frequency). This sequence change affects a donor splice site in intron 6 of the RLBP1 gene. It is expected to disrupt RNA splicing. Variants that disrupt the donor or acceptor splice site typically lead to a loss of protein function (PMID: 16199547), and loss-of-function variants in RLBP1 are known to be pathogenic (PMID: 2392416, 11301032, 21447491, 25429852).

Literature cited by the submitters: PubMed 16199547; PubMed 2392416; PubMed 11301032; PubMed 21447491; PubMed 25429852.